The following is an entry in ClinVar:

ClinVar aggregate classification (germline): Pathogenic (1 of 4 stars; one submission).

Submission:

Labcorp Genetics (formerly Invitae), Labcorp
Classification: Pathogenic. Last evaluated: 2023-03-26. Review status: criteria provided, single submitter. Criteria: Invitae Variant Classification Sherloc (09022015). Collection method: clinical testing. Allele origin: germline.
Comment: This variant is not present in population databases (gnomAD no frequency). This sequence change creates a premature translational stop signal (p.Leu1659Alafs*31) in the COL4A4 gene. While this is not anticipated to result in nonsense mediated decay, it is expected to disrupt the last 32 amino acid(s) of the COL4A4 protein. This variant has not been reported in the literature in individuals affected with COL4A4-related conditions. For these reasons, this variant has been classified as Pathogenic. This variant disrupts a region of the COL4A4 protein in which other variant(s) (p.Cys1683Tyr) have been determined to be pathogenic (PMID: 26809805; Invitae). This suggests that this is a clinically significant region of the protein, and that variants that disrupt it are likely to be disease-causing.

Literature cited by the submitters: PubMed 26809805.

NM_000092.5(COL4A4):c.4975_4976del (p.Leu1659fs)

Gene: COL4A4 (collagen type IV alpha 4 chain; minus strand). Cytogenetic location: 2q36.3.
Variant type: Deletion.
Coding change: c.4975_4976del on transcript NM_000092.5 (MANE Select); coding-DNA positions 4975 to 4976, 2 bases deleted (TT; older notation c.4975_4976delTT).
Protein change: p.Leu1659fs; shifts the reading frame from leucine 1659.
Molecular consequence: frameshift variant.
Genome position (GRCh38, 1-based): chr2:227,007,422-227,007,423, AA deleted on the plus strand (TT on the coding strand, the reverse complement: COL4A4 is on the minus strand). VCF-style (leftmost placement, unchanged base first): chr2-227007421-CAA-C. GRCh37 (hg19) VCF-style: chr2-227872137-CAA-C.
Other names: short protein forms L1659fs.
Identifiers: ClinVar variation 2849629 (VCV002849629.3), dbSNP rs2472576453, ClinGen allele CA2739278232.